The following is an entry in ClinVar:

ClinVar aggregate classification (germline): Benign/Likely benign. Review status: criteria provided, multiple submitters, no conflicts (2 of 4 stars). 4 submissions from 4 submitters: Benign (1); Likely benign (3). Last evaluated 2026-09-24.

Conditions:
JAK2-related disorder. Also called: JAK2-related condition.

Allele frequency attached by ClinVar (database versions not stated): TOPMed 0.00003; gnomAD exomes 0.00022; ExAC 0.00047; 1000 Genomes Project 0.00060; 1000 Genomes Project 30x 0.00062.
gnomAD v4.1: 332 of 1,602,080 alleles (0.021%); highest among the groups gnomAD compares: South Asian, 0.27%; 5 homozygotes.

Submissions (4):

PreventionGenetics, part of Exact Sciences
Classification: Likely benign for JAK2-related condition. Last evaluated: 2026-09-24. Review status: criteria provided, single submitter. Criteria: ACMG Guidelines, 2015. Collection method: clinical testing. Allele origin: germline.
Comment: This variant is classified as likely benign based on ACMG/AMP sequence variant interpretation guidelines (Richards et al. 2015 PMID: 25741868, with internal and published modifications).

CeGaT Center for Human Genetics Tuebingen
Classification: Likely benign. Last evaluated: 2026-08-01. Review status: criteria provided, single submitter. Criteria: CeGaT Center For Human Genetics Tuebingen Variant Classification Criteria Version 2. Collection method: clinical testing. Allele origin: germline. Affected: yes. Observed: 3 variant alleles.
Comment: JAK2: BP4, BP7, BS1

Labcorp Genetics (formerly Invitae), Labcorp
Classification: Benign. Last evaluated: 2025-06-22. Review status: criteria provided, single submitter. Criteria: Invitae Variant Classification Sherloc (09022015). Collection method: clinical testing. Allele origin: germline.

Blueprint Genetics
Classification: Likely benign. Last evaluated: 2024-11-17. Review status: criteria provided, single submitter. Criteria: ACMG Guidelines, 2015. Collection method: clinical testing. Allele origin: germline.

NM_004972.4(JAK2):c.1542G>A (p.Thr514=)

Genes: INSL6 (insulin like 6; minus strand), JAK2 (Janus kinase 2; plus strand). Cytogenetic location: 9p24.1.
Variant type: single nucleotide variant.
Coding change: c.1542G>A on transcript NM_004972.4 (MANE Select); coding-DNA position 1542, G replaced by A.
Protein change: p.Thr514=; no amino-acid change (threonine 514 retained).
Molecular consequence: synonymous variant. On other transcripts: non-coding transcript variant (2).
Genome position (GRCh38, 1-based): chr9:5,069,953, G>A. VCF-style: chr9-5069953-G-A. GRCh37 (hg19) VCF-style: chr9-5069953-G-A.
Other names: c.1542G>A, p.Thr514= (NM_001322194.2, NM_001322195.2, NM_001322196.2); c.327G>A, p.Thr109= (NM_001322198.2, NM_001322199.2); c.1095G>A, p.Thr365= (NM_001322204.2).
Identifiers: ClinVar variation 2152719 (VCV002152719.30), dbSNP rs565502628, ClinGen allele CA4971893.